The following is an entry in ClinVar:

NM_003906.5(MCM3AP):c.1616C>T (p.Pro539Leu)

Gene: MCM3AP (minichromosome maintenance complex component 3 associated protein; minus strand). Cytogenetic location: 21q22.3.
Variant type: single nucleotide variant.
Coding change: c.1616C>T on transcript NM_003906.5 (MANE Select); coding-DNA position 1616, C replaced by T.
Protein change: p.Pro539Leu; replaces proline 539 with leucine.
Molecular consequence: missense variant.
Genome position (GRCh38, 1-based): chr21:46,280,044, G>A on the plus strand (C>T on the coding strand, the complement: MCM3AP is on the minus strand). VCF-style: chr21-46280044-G-A. GRCh37 (hg19) VCF-style: chr21-47699958-G-A.
Other names: short protein forms P539L.
Identifiers: ClinVar variation 1952913 (VCV001952913.2), dbSNP rs760942606, ClinGen allele CA10077036.
Genomic context (GRCh38, chr21:46,280,044, plus strand): 5'-CGATCCCACCTTTTATTCAGGAGGCTGCTAGCACCAGTCCTCCCTGCGGCCTTGCCAAGA[G>A]GAGAGTGCTGAAAGGGTGCATCCTCTGTGCTCGGGCTGACTTCACCGTCACCTGGTTTCT-3'
Protein context (NP_003897.2, residues 529-549): STEDAPFQHS[Pro539Leu]LGKAAGRTGA

ClinVar aggregate classification (germline): Uncertain significance (1 of 4 stars; one submission).

Allele frequency attached by ClinVar (database versions not stated): gnomAD 0.00001; gnomAD exomes 0.00001; TOPMed 0.00002; ExAC 0.00005.
gnomAD v4.1: 16 of 1,614,076 alleles (0.00099%); highest among the groups gnomAD compares: Admixed American, 0.017%; no homozygotes.

Submission:

Labcorp Genetics (formerly Invitae), Labcorp
Classification: Uncertain significance. Last evaluated: 2022-10-17. Review status: criteria provided, single submitter. Criteria: Invitae Variant Classification Sherloc (09022015). Collection method: clinical testing. Allele origin: germline.
Comment: This sequence change replaces proline, which is neutral and non-polar, with leucine, which is neutral and non-polar, at codon 539 of the MCM3AP protein (p.Pro539Leu). The frequency data for this variant in the population databases is considered unreliable, as metrics indicate poor data quality at this position in the gnomAD database. This variant has not been reported in the literature in individuals affected with MCM3AP-related conditions. Algorithms developed to predict the effect of missense changes on protein structure and function (SIFT, PolyPhen-2, Align-GVGD) all suggest that this variant is likely to be disruptive. In summary, the available evidence is currently insufficient to determine the role of this variant in disease. Therefore, it has been classified as a Variant of Uncertain Significance.